The following is an entry in ClinVar:

ClinVar aggregate classification (germline): Uncertain significance. Review status: criteria provided, single submitter (1 of 4 stars). 2 submissions from 2 submitters: Uncertain significance (1). 1 of the submissions does not count toward it. Last evaluated 2025-02-28.

Conditions:
SMAD6-related disease. Also called: SMAD6-related disorder; SMAD6-related condition. Identifiers: MedGen CN381596, MONDO:0700324.
Polydactyly. Also called: polydactylism. Identifiers: MedGen C0152427, MONDO:0021003, OMIM 603596, HP:0010442.
Radioulnar synostosis. Also called: Congenital radioulnar synostosis. Identifiers: Orphanet 3269, MedGen C0158761, MONDO:0017985, HP:0002974.

Submissions (2):

PreventionGenetics, part of Exact Sciences
Classification: Uncertain significance for SMAD6-related condition. Last evaluated: 2025-02-28. Review status: criteria provided, single submitter. Criteria: ACMG Guidelines, 2015. Collection method: clinical testing. Allele origin: germline.
Comment: The SMAD6 c.1227delC variant is predicted to result in a frameshift and premature protein termination (p.Ile410Serfs*129). This variant was reported using an alternate nomenclature (c.1224delC; p.His408fs) in an family with Radioulnar synostosis (Shen et al. 2022. PubMed ID: 34953066). This variant is in the last exon and is not predicted to undergo nonsense mediated decay. A cohort of 2,871 congenital heart disease (CHD) patients found eight inherited and one de novo loss-of-function (LOF) SMAD6 variants in patients with variable CHDs; however, only one of eight of the parents transmitting a LOF variant had a CHD (bicuspid aortic valve). Importantly, no LOF variants were found among the 7,156 parental control alleles (Jin et al. 2017. PubMed ID: 28991257). However, the SMAD6 gene is predicted to largely be tolerant of LOF variants as more LOF variants are observed than expected in the gnomAD database (Lek et al. 2016. PubMed ID: 27535533). This variant has not been reported in a large population database (gnomAD), indicating this variant is rare. Although we suspect that this variant may be pathogenic, at this time, the clinical significance of this variant is uncertain due to the absence of conclusive functional and genetic evidence.

The Laboratory of Genetics and Metabolism, Hunan Children’s Hospital
Classification: Pathogenic for Polydactyly; Radioulnar synostosis. Last evaluated: 2020-06-20. Review status: no assertion criteria provided. Collection method: research. Allele origin: paternal. Affected: yes. Not counted in ClinVar's aggregate classification.

NM_005585.5(SMAD6):c.1227del (p.Ile410fs)

Gene: SMAD6 (SMAD family member 6; plus strand). Cytogenetic location: 15q22.31.
Variant type: Deletion.
Coding change: c.1227del on transcript NM_005585.5 (MANE Select); coding-DNA position 1227, one base deleted (C; older notation c.1227delC).
Protein change: p.Ile410fs; shifts the reading frame from isoleucine 410.
Molecular consequence: frameshift variant. On other transcripts: non-coding transcript variant (1).
Genome position (GRCh38, 1-based): chr15:66,781,271, C deleted; the last of 4 consecutive C bases (chr15:66,781,268-66,781,271); deleting any one gives the same sequence. VCF-style (leftmost placement, unchanged base first): chr15-66781267-AC-A. GRCh37 (hg19) VCF-style: chr15-67073605-AC-A.
Other names: c.1224delC (NM_005585.5); c.1227delC (NM_005585.4); short protein forms I410fs.
Identifiers: ClinVar variation 1174576 (VCV001174576.3), dbSNP rs2140681839, ClinGen allele CA2573054090.
Genomic context (GRCh38, chr15:66,781,267, plus strand): 5'-GCTTCGGCATCCTGCTCAGCAAGGAGCCCGACGGCGTGTGGGCCTACAACCGCGGCGAGC[AC>A]CCCATCTTCGTCAACTCCCCGACGCTGGACGCGCCCGGCGGCCGCGCCCTGGTCGTGCGC-3'